The following is an entry in ClinVar:

ClinVar aggregate classification (germline): Benign. Review status: criteria provided, multiple submitters, no conflicts (2 of 4 stars). 3 submissions from 3 submitters: Benign (3). Last evaluated 2026-02-01.

Conditions:
Congenital muscular dystrophy due to integrin alpha-7 deficiency. Also called: MYOPATHY, CONGENITAL, DUE TO INTEGRIN ALPHA-7 DEFICIENCY; Congenital muscular dystrophy with integrin alpha-7 deficiency; Muscular dystrophy, congenital, due to ITGA7 deficiency. Identifiers: Orphanet 34520, MedGen C2750786, MONDO:0013177, OMIM 613204.

Allele frequency attached by ClinVar (database versions not stated): gnomAD 0.00653 and 0.00707; 1000 Genomes Project 0.00659; ESP Exome Variant Server 0.00669; TOPMed 0.00719; 1000 Genomes Project 30x 0.00781.
gnomAD v4.1: 1,975 of 1,614,112 alleles (0.12%); highest among the groups gnomAD compares: African/African-American, 2.4%; 23 homozygotes.

Submissions (3):

Labcorp Genetics (formerly Invitae), Labcorp
Classification: Benign for Congenital muscular dystrophy due to integrin alpha-7 deficiency. Last evaluated: 2026-02-01. Review status: criteria provided, single submitter. Criteria: Invitae Variant Classification Sherloc (09022015). Collection method: clinical testing. Allele origin: germline.

GeneDx
Classification: Benign. Last evaluated: 2017-04-06. Review status: criteria provided, single submitter. Criteria: GeneDx Variant Classification (06012015). Collection method: clinical testing. Allele origin: germline. Affected: yes.
Comment: This variant is considered likely benign or benign based on one or more of the following criteria: it is a conservative change, it occurs at a poorly conserved position in the protein, it is predicted to be benign by multiple in silico algorithms, and/or has population frequency not consistent with disease.

Breakthrough Genomics
Classification: Benign. Review status: criteria provided, single submitter. Criteria: ACMG Guidelines, 2015. Collection method: not provided. Allele origin: germline. Inheritance: Autosomal recessive inheritance. Affected: yes.

NM_002206.3(ITGA7):c.903C>T (p.Ser301=)

Gene: ITGA7 (integrin subunit alpha 7; minus strand). Cytogenetic location: 12q13.2.
Variant type: single nucleotide variant.
Coding change: c.903C>T on transcript NM_002206.3 (MANE Select); coding-DNA position 903, C replaced by T.
Protein change: p.Ser301=; no amino-acid change (serine 301 retained).
Molecular consequence: synonymous variant. On other transcripts: 5 prime UTR variant (1).
Genome position (GRCh38, 1-based): chr12:55,698,805, G>A on the plus strand (C>T on the coding strand, the complement: ITGA7 is on the minus strand). VCF-style: chr12-55698805-G-A. GRCh37 (hg19) VCF-style: chr12-56092589-G-A.
Other names: c.915C>T, p.Ser305= (NM_001144996.2, NM_001414029.1, NM_001414030.1); c.624C>T, p.Ser208= (NM_001144997.2); c.576C>T, p.Ser192= (NM_001367993.1); c.-390C>T (NM_001367994.1); c.903C>T, p.Ser301= (NM_001374465.1, NM_001414031.1, NM_001414034.1); c.1035C>T, p.Ser345= (NM_001410977.1); c.783C>T, p.Ser261= (NM_001414032.1); c.720C>T, p.Ser240= (NM_001414033.1); and 1 more.
Identifiers: ClinVar variation 309795 (VCV000309795.15), dbSNP rs113343213, ClinGen allele CA6616117.